The following is an entry in ClinVar:

NM_000329.3(RPE65):c.1056_1060delinsAGTG (p.Asn356fs)

Gene: RPE65 (retinoid isomerohydrolase RPE65; minus strand). Cytogenetic location: 1p31.3.
Variant type: Indel.
Coding change: c.1056_1060delinsAGTG on transcript NM_000329.3 (MANE Select); coding-DNA positions 1056 to 1060, GGTGA replaced by AGTG.
Protein change: p.Asn356fs; shifts the reading frame from asparagine 356.
Molecular consequence: frameshift variant.
Genome position (GRCh38, 1-based): chr1:68,438,255-68,438,259, TCACC replaced by CACT on the plus strand (GGTGA replaced by AGTG on the coding strand, the reverse complement: RPE65 is on the minus strand). VCF-style: chr1-68438255-TCACC-CACT. GRCh37 (hg19) VCF-style: chr1-68903938-TCACC-CACT.
Other names: c.948_952delinsAGTG, p.Asn320fs (NM_001406853.1); c.780_784delinsAGTG, p.Asn264fs (NM_001406856.1, NM_001406857.1); c.1056_1060delinsAGTG, p.Asn356fs (NM_001406859.1); short protein forms N264fs, N320fs, N356fs.
Identifiers: ClinVar variation 5016408 (VCV005016408.1).

ClinVar aggregate classification (germline): Pathogenic (1 of 4 stars; one submission).

Conditions:
RPE65-related recessive retinopathy. Also called: Recessive RPE65 retinopathy. Identifiers: MedGen CN305526, MONDO:0100368.

Submission:

Myriad Genetics, Inc.
Classification: Pathogenic for RPE65-related recessive retinopathy. Last evaluated: 2024-05-14. Review status: criteria provided, single submitter. Criteria: Myriad Autosomal Dominant, Autosomal Recessive and X-Linked Classification Criteria (2023). Collection method: clinical testing. Allele origin: unknown.
Comment: NM_000329.2(RPE65):c.1056_1060del5ins4(N356Mfs*17) is expected to be pathogenic in the context of inherited retinal dystrophy, RPE65-related. This variant is predicted to lead to an abnormal or absent protein product due to the creation of a premature termination codon in RPE65, a gene where loss-of-function variants are known to be pathogenic. Please note: this variant was assessed in the context of healthy population screening.